The following is an entry in ClinVar:

NM_201384.3(PLEC):c.3958C>T (p.Arg1320Cys)

Gene: PLEC (plectin; minus strand). Cytogenetic location: 8q24.3.
Variant type: single nucleotide variant.
Coding change: c.3958C>T on transcript NM_201384.3 (MANE Select); coding-DNA position 3958, C replaced by T.
Protein change: p.Arg1320Cys; replaces arginine 1320 with cysteine.
Molecular consequence: missense variant.
Genome position (GRCh38, 1-based): chr8:143,926,870, G>A on the plus strand (C>T on the coding strand, the complement: PLEC is on the minus strand). VCF-style: chr8-143926870-G-A. GRCh37 (hg19) VCF-style: chr8-145001038-G-A.
Other names: c.4039C>T, p.Arg1347Cys (NM_000445.5); c.3916C>T, p.Arg1306Cys (NM_201378.4); c.3892C>T, p.Arg1298Cys (NM_201379.3); c.4369C>T, p.Arg1457Cys (NM_201380.4); c.3862C>T, p.Arg1288Cys (NM_201381.3); c.3958C>T, p.Arg1320Cys (NM_201382.4); c.3970C>T, p.Arg1324Cys (NM_201383.3); short protein forms R1288C, R1298C, R1306C, R1320C, R1324C, R1347C, R1457C.
Identifiers: ClinVar variation 448065 (VCV000448065.49), dbSNP rs372256096, ClinGen allele CA4926829.
Genomic context (GRCh38, chr8:143,926,870, plus strand): 5'-TCTCGCTGATGAACTTGATGTACTGGCTCGTCAGTGTGGTCAGCTCGCTGTAGTGCGTAC[G>A]CAGGTCCACGTACTGTGGAGTAGAGCCAGGGTTAGCCCTGCGAGAGCTGCAGCTCCAGCC-3'
Protein context (NP_958786.1, residues 1310-1330): ESVIQEYVDL[Arg1320Cys]THYSELTTLT

ClinVar aggregate classification (germline): Conflicting classifications of pathogenicity. Review status: criteria provided, conflicting classifications (1 of 4 stars). 8 submissions from 8 submitters: Uncertain significance (3); Benign (1); Likely benign (3). 1 of the submissions does not count toward it. Last evaluated 2026-03-24.

Conditions:
PLEC-related disorder. Also called: PLEC-related disorders; PLEC-related condition.
Autosomal recessive limb-girdle muscular dystrophy type 2Q (LGMDR17). Also called: MUSCULAR DYSTROPHY, LIMB-GIRDLE, AUTOSOMAL RECESSIVE 17. Identifiers: Orphanet 254361, MedGen C3150989, MONDO:0013390, OMIM 613723.
Epidermolysis bullosa simplex 5B, with muscular dystrophy (EBS5B). Also called: Epidermolysis bullosa simplex with muscular dystrophy; EPIDERMOLYSIS BULLOSA SIMPLEX AND LIMB-GIRDLE MUSCULAR DYSTROPHY. Identifiers: Orphanet 257, MedGen C2931072, MONDO:0009181, OMIM 226670.
Epidermolysis bullosa simplex, Ogna type (EBS5A). Also called: Pidermolysis bullosa simplex 5A, Ogna type; EPIDERMOLYSIS BULLOSA SIMPLEX 5A, OGNA TYPE. Identifiers: Orphanet 79401, MedGen C0432317, MONDO:0007555, OMIM 131950.
Epidermolysis bullosa simplex 5C, with pyloric atresia (EBS5C). Also called: PLEC-Related Epidermolysis Bullosa with Pyloric Atresia; Epidermolysis bullosa simplex with pyloric atresia; PLEC1-Related Epidermolysis Bullosa with Pyloric Atresia. Identifiers: Orphanet 158684, MedGen C2677349, MONDO:0012807, OMIM 612138.
Epidermolysis bullosa simplex with nail dystrophy (EBS5D). Identifiers: MedGen C4225309, MONDO:0014661, OMIM 616487.

Allele frequency attached by ClinVar (database versions not stated): gnomAD 0.00022; TOPMed 0.00024; ExAC 0.00046; 1000 Genomes Project 0.00260; 1000 Genomes Project 30x 0.00281.
gnomAD v4.1: 298 of 1,612,752 alleles (0.018%); highest among the groups gnomAD compares: East Asian, 0.22%; 2 homozygotes.

Submissions (8):

Women's Health and Genetics/Laboratory Corporation of America, LabCorp
Classification: Likely benign. Last evaluated: 2026-03-24. Review status: criteria provided, single submitter. Criteria: LabCorp Variant Classification Summary - May 2015. Collection method: clinical testing. Allele origin: germline.
Comment: Variant summary: PLEC c.4039C>T (p.Arg1347Cys) results in a non-conservative amino acid change in the encoded protein sequence. Algorithms developed to predict the effect of missense changes on protein structure and function all suggest that this variant is likely to be disruptive. The variant allele was found at a frequency of 0.00046 in 248722 control chromosomes, predominantly at a frequency of 0.0038 within the East Asian subpopulation in the gnomAD database v2 databas. A total of 2 homozygotes of this variant was observed in the gnomAD v4 database. To our knowledge, no occurrence of c.4039C>T in individuals affected with PLEC-related conditions and no experimental evidence demonstrating its impact on protein function have been reported. ClinVar contains an entry for this variant (Variation ID: 448065). Based on the evidence outlined above, the variant was classified as likely benign.

Labcorp Genetics (formerly Invitae), Labcorp
Classification: Likely benign for Autosomal recessive limb-girdle muscular dystrophy type 2Q; Epidermolysis bullosa simplex, Ogna type; Epidermolysis bullosa simplex with nail dystrophy; Epidermolysis bullosa simplex 5C, with pyloric atresia; Epidermolysis bullosa simplex 5B, with muscular dystrophy. Last evaluated: 2025-12-27. Review status: criteria provided, single submitter. Criteria: Invitae Variant Classification Sherloc (09022015). Collection method: clinical testing. Allele origin: germline.

Blueprint Genetics
Classification: Likely benign. Last evaluated: 2024-11-01. Review status: criteria provided, single submitter. Criteria: ACMG Guidelines, 2015. Collection method: clinical testing. Allele origin: germline.

CeGaT Center for Human Genetics Tuebingen
Classification: Uncertain significance. Last evaluated: 2022-12-01. Review status: criteria provided, single submitter. Criteria: CeGaT Center For Human Genetics Tuebingen Variant Classification Criteria Version 2. Collection method: clinical testing. Allele origin: germline. Affected: yes. Observed: 1 variant allele.
Comment: PLEC: PP3

Revvity Omics, Revvity
Classification: Uncertain significance. Last evaluated: 2021-10-15. Review status: criteria provided, single submitter. Criteria: ACMG Guidelines, 2015. Collection method: clinical testing. Allele origin: germline.

Athena Diagnostics
Classification: Benign. Last evaluated: 2021-02-24. Review status: criteria provided, single submitter. Criteria: Athena Diagnostics criteria. Collection method: clinical testing. Allele origin: unknown.

Eurofins Ntd Llc (ga)
Classification: Uncertain significance. Last evaluated: 2016-12-03. Review status: criteria provided, single submitter. Criteria: EGL Classification Definitions 2015. Collection method: clinical testing. Allele origin: germline. Observed: 2 variant alleles, 2 heterozygotes.

PreventionGenetics, part of Exact Sciences
Classification: Likely benign for PLEC-related condition. Last evaluated: 2024-09-06. Review status: no assertion criteria provided. Collection method: clinical testing. Allele origin: germline. Not counted in ClinVar's aggregate classification.
Comment: This variant is classified as likely benign based on ACMG/AMP sequence variant interpretation guidelines (Richards et al. 2015 PMID: 25741868, with internal and published modifications).